The following is an entry in ClinVar:

ClinVar aggregate classification (germline): Conflicting classifications of pathogenicity. Review status: criteria provided, conflicting classifications (1 of 4 stars). 15 submissions from 15 submitters: Uncertain significance (1); Benign (5); Likely benign (5). 4 of the submissions do not count toward it. Last evaluated 2026-02-01.

Conditions:
Alport syndrome. Also called: Hemorrhagic familial nephritis; Hemorrhagic hereditary nephritis; Congenital hereditary hematuria. Identifiers: Orphanet 63, MedGen C1567741, MONDO:0018965.
Inborn genetic diseases. Identifiers: MedGen C0950123, MeSH D030342.
Autosomal recessive Alport syndrome (ATS2). Also called: Alport syndrome type 2; COL4A3-Related Nephropathy; COL4A4 Alport Syndrome and Thin Basement Membrane Nephropathy; ALPORT SYNDROME 2, AUTOSOMAL RECESSIVE. Identifiers: Orphanet 63, Orphanet 88919, MedGen C4746745, MONDO:0008762, OMIM 203780.

Allele frequency attached by ClinVar (database versions not stated): 1000 Genomes Project 0.00280; 1000 Genomes Project 30x 0.00312; gnomAD 0.00385; ExAC 0.00396; ESP Exome Variant Server 0.00405; TOPMed 0.00437; gnomAD exomes 0.00444 and 0.00471.
gnomAD v4.1: 7,612 of 1,613,918 alleles (0.47%); highest among the groups gnomAD compares: Middle Eastern, 2%; 39 homozygotes.

Submissions (15):

Labcorp Genetics (formerly Invitae), Labcorp
Classification: Benign. Last evaluated: 2026-02-01. Review status: criteria provided, single submitter. Criteria: Invitae Variant Classification Sherloc (09022015). Collection method: clinical testing. Allele origin: germline.

CeGaT Center for Human Genetics Tuebingen
Classification: Likely benign. Last evaluated: 2025-11-01. Review status: criteria provided, single submitter. Criteria: CeGaT Center For Human Genetics Tuebingen Variant Classification Criteria Version 2. Collection method: clinical testing. Allele origin: germline. Affected: yes. Observed: 5 variant alleles.
Comment: COL4A3: BP4, BP7, BS2

Mayo Clinic Laboratories, Mayo Clinic
Classification: Likely benign. Last evaluated: 2025-10-08. Review status: criteria provided, single submitter. Criteria: ACMG Guidelines, 2015. Collection method: clinical testing. Allele origin: germline. Observed: 4 variant alleles.
Comment: BS1, BP4, BP7

Blueprint Genetics
Classification: Likely benign. Last evaluated: 2024-11-19. Review status: criteria provided, single submitter. Criteria: ACMG Guidelines, 2015. Collection method: clinical testing. Allele origin: germline.

Ambry Genetics
Classification: Likely benign for Inborn genetic diseases. Last evaluated: 2023-07-12. Review status: criteria provided, single submitter. Criteria: Ambry Variant Classification Scheme 2023. Collection method: clinical testing. Allele origin: germline.

Genome-Nilou Lab
Classification: Benign for Autosomal recessive Alport syndrome. Last evaluated: 2021-05-18. Review status: criteria provided, single submitter. Criteria: ACMG Guidelines, 2015. Collection method: clinical testing. Allele origin: germline. Affected: no.

Eurofins Ntd Llc (ga)
Classification: Benign. Last evaluated: 2018-05-14. Review status: criteria provided, single submitter. Criteria: EGL ClinVar v180209 classification definitions. Collection method: clinical testing. Allele origin: germline. Observed: 1 variant allele, 1 heterozygote.

GeneDx
Classification: Benign. Last evaluated: 2018-03-20. Review status: criteria provided, single submitter. Criteria: GeneDx Variant Classification (06012015). Collection method: clinical testing. Allele origin: germline. Affected: yes.
Comment: This variant is considered likely benign or benign based on one or more of the following criteria: it is a conservative change, it occurs at a poorly conserved position in the protein, it is predicted to be benign by multiple in silico algorithms, and/or has population frequency not consistent with disease.

Illumina Laboratory Services, Illumina
Classification: Uncertain significance for Alport syndrome. Last evaluated: 2018-01-13. Review status: criteria provided, single submitter. Criteria: ICSL Variant Classification Criteria 13 December 2019. Collection method: clinical testing. Allele origin: germline.

Laboratory for Molecular Medicine, Mass General Brigham Personalized Medicine
Classification: Benign. Last evaluated: 2016-03-21. Review status: criteria provided, single submitter. Criteria: LMM Criteria. Collection method: clinical testing. Allele origin: germline. Observed: 2 variant alleles.
Comment: p.Gly1086Gly in exon 38 of COL4A3: This variant is not expected to have clinical significance because it does not alter an amino acid residue, is not located wi thin the splice consensus sequence, and has been identified in 0.54% (361/66654) of European chromosomes by the Exome Aggregation Consortium (ExAC.; dbSNP rs147085074).

PreventionGenetics, part of Exact Sciences
Classification: Likely benign. Review status: criteria provided, single submitter. Criteria: ACMG Guidelines, 2015. Collection method: clinical testing. Allele origin: germline.

Natera, Inc.
Classification: Benign for Alport syndrome. Last evaluated: 2020-09-16. Review status: no assertion criteria provided. Collection method: clinical testing. Allele origin: germline. Not counted in ClinVar's aggregate classification.

Clinical Genetics DNA and cytogenetics Diagnostics Lab, Erasmus MC, Erasmus Medical Center
Classification: Likely benign. Review status: no assertion criteria provided. Collection method: clinical testing. Allele origin: germline. Affected: yes. Study: VKGL Data-share Consensus. Not counted in ClinVar's aggregate classification.

Genome Diagnostics Laboratory, University Medical Center Utrecht
Classification: Likely benign. Review status: no assertion criteria provided. Collection method: clinical testing. Allele origin: germline. Affected: yes. Study: VKGL Data-share Consensus. Not counted in ClinVar's aggregate classification.

Joint Genome Diagnostic Labs from Nijmegen and Maastricht, Radboudumc and MUMC+
Classification: Likely benign. Review status: no assertion criteria provided. Collection method: clinical testing. Allele origin: germline. Affected: yes. Study: VKGL Data-share Consensus. Not counted in ClinVar's aggregate classification.

Literature cited by the submitters: PubMed 31785789 (cited by Mayo Clinic Laboratories, Mayo Clinic).

NM_000091.5(COL4A3):c.3258G>A (p.Gly1086=)

Genes: COL4A3 (collagen type IV alpha 3 chain; plus strand), MFF-DT (MFF divergent transcript; minus strand). Cytogenetic location: 2q36.3.
Variant type: single nucleotide variant.
Coding change: c.3258G>A on transcript NM_000091.5 (MANE Select); coding-DNA position 3258, G replaced by A.
Protein change: p.Gly1086=; no amino-acid change (glycine 1086 retained).
Molecular consequence: synonymous variant.
Genome position (GRCh38, 1-based): chr2:227,293,238, G>A. VCF-style: chr2-227293238-G-A. GRCh37 (hg19) VCF-style: chr2-228157954-G-A.
Other names: p.Gly1086=.
Identifiers: ClinVar variation 254991 (VCV000254991.62), dbSNP rs147085074, ClinGen allele CA2147167.